The following is an entry in ClinVar:

NM_003070.5(SMARCA2):c.2704A>G (p.Ile902Val)

Gene: SMARCA2 (SWI/SNF related BAF chromatin remodeling complex subunit ATPase 2; plus strand). Cytogenetic location: 9p24.3.
Variant type: single nucleotide variant.
Coding change: c.2704A>G on transcript NM_003070.5 (MANE Select); coding-DNA position 2704, A replaced by G.
Protein change: p.Ile902Val; replaces isoleucine 902 with valine.
Molecular consequence: missense variant. On other transcripts: intron variant (1).
Genome position (GRCh38, 1-based): chr9:2,087,006, A>G. VCF-style: chr9-2087006-A-G. GRCh37 (hg19) VCF-style: chr9-2087006-A-G.
Other names: c.2704A>G, p.Ile902Val (NM_001289396.2, NM_139045.4); c.2595+109A>G (NM_001289397.2); short protein forms I902V.
Identifiers: ClinVar variation 3360613 (VCV003360613.1).

ClinVar aggregate classification (germline): Uncertain significance (1 of 4 stars; one submission).

Submission:

GeneDx
Classification: Uncertain significance. Last evaluated: 2023-06-29. Review status: criteria provided, single submitter. Criteria: GeneDx Variant Classification Process June 2021. Collection method: clinical testing. Allele origin: germline. Affected: yes.
Comment: Not observed at significant frequency in large population cohorts (gnomAD); In silico analysis supports that this missense variant does not alter protein structure/function; Has not been previously published as pathogenic or benign to our knowledge